The following is an entry in ClinVar:

ClinVar aggregate classification (germline): Uncertain significance (1 of 4 stars; one submission).

Submission:

Dasa
Classification: Uncertain significance. Last evaluated: 2025-08-28. Review status: criteria provided, single submitter. Criteria: DASA Assertion Criteria. Collection method: clinical testing. Allele origin: germline.
Comment: NM_001379451.1(BCORL1):c.5270C>T (p.Ser1757Phe) is a missense variant that results in the substitution of serine with phenylalanine. This variant is absent from population databases. Computational prediction algorithms are consistent with a benign effect. The currently available literature and clinical evidence are not sufficient to establish a definitive association between this variant and the reported condition. Therefore, this variant is classified as a variant of uncertain significance.

NM_001379451.1(BCORL1):c.5270C>T (p.Ser1757Phe)

Gene: BCORL1 (BCL6 corepressor like 1; plus strand). Cytogenetic location: Xq26.1.
Variant type: single nucleotide variant.
Coding change: c.5270C>T on transcript NM_001379451.1 (MANE Select); coding-DNA position 5270, C replaced by T.
Protein change: p.Ser1757Phe; replaces serine 1757 with phenylalanine.
Molecular consequence: missense variant.
Genome position (GRCh38, 1-based): chrX:130,056,048, C>T. VCF-style: chrX-130056048-C-T. GRCh37 (hg19) VCF-style: chrX-129190023-C-T.
Other names: c.5270C>T, p.Ser1757Phe (NM_001184772.3, NM_001379450.1, NM_001441326.1 and 2 more transcripts); c.4880C>T, p.Ser1627Phe (NM_001441329.1, NM_001441330.1, NM_001441331.1 and 1 more transcripts); c.5048C>T, p.Ser1683Phe (NM_021946.5); short protein forms S1627F, S1683F, S1757F.
Identifiers: ClinVar variation 4885550 (VCV004885550.2).